The following is an entry in ClinVar:

NM_001843.4(CNTN1):c.2114-20T>C

Gene: CNTN1 (contactin 1; plus strand). Cytogenetic location: 12q12.
Variant type: single nucleotide variant.
Coding change: c.2114-20T>C on transcript NM_001843.4 (MANE Select); 20 bases into the intron before coding-DNA position 2114, T replaced by C.
Molecular consequence: intron variant.
Genome position (GRCh38, 1-based): chr12:41,014,208, T>C. VCF-style: chr12-41014208-T-C. GRCh37 (hg19) VCF-style: chr12-41408010-T-C.
Other names: c.2081-20T>C (NM_175038.2).
Identifiers: ClinVar variation 510991 (VCV000510991.9), dbSNP rs896908779, ClinGen allele CA235947412.

ClinVar aggregate classification (germline): Likely benign. Review status: criteria provided, multiple submitters, no conflicts (2 of 4 stars). 2 submissions from 2 submitters: Likely benign (2). Last evaluated 2026-01-20.

Conditions:
Compton-North congenital myopathy (CMYO12). Identifiers: Orphanet 210163, MedGen C2675527, MONDO:0012929, OMIM 612540.

Allele frequency attached by ClinVar (database versions not stated): gnomAD exomes 0.00002 and 0.00004; TOPMed 0.00002; gnomAD 0.00003 and 0.00004.
gnomAD v4.1: 65 of 1,612,994 alleles (0.004%); highest among the groups gnomAD compares: Non-Finnish European, 0.005%; no homozygotes.

Submissions (2):

Labcorp Genetics (formerly Invitae), Labcorp
Classification: Likely benign for Compton-North congenital myopathy. Last evaluated: 2026-01-20. Review status: criteria provided, single submitter. Criteria: Invitae Variant Classification Sherloc (09022015). Collection method: clinical testing. Allele origin: germline.

GeneDx
Classification: Likely benign. Last evaluated: 2017-07-27. Review status: criteria provided, single submitter. Criteria: GeneDx Variant Classification (06012015). Collection method: clinical testing. Allele origin: germline. Affected: yes.
Comment: This variant is considered likely benign or benign based on one or more of the following criteria: it is a conservative change, it occurs at a poorly conserved position in the protein, it is predicted to be benign by multiple in silico algorithms, and/or has population frequency not consistent with disease.